The following is an entry in ClinVar:

ClinVar aggregate classification (germline): Pathogenic (0 of 4 stars; one submission).

Conditions:
Steinert myotonic dystrophy syndrome (DM1). Also called: STEINERT DISEASE; Myotonic dystrophy type 1; Dystrophia myotonica type 1; Steinert myotonic dystrophy; Steinert's disease. Identifiers: Orphanet 273, MedGen C3250443, MONDO:0008056, OMIM 160900.

Submission:

Institute of Molecular, Cell and Systems Biology, University of Glasgow
Classification: Pathogenic for Steinert myotonic dystrophy syndrome. Review status: no assertion criteria provided. Criteria: research. Collection method: research. Allele origin: germline. Inheritance: Autosomal dominant inheritance. Affected: yes. Observed: 1 heterozygote.
Comment: DMPK CTG repeat expansions greater than approximately 45-50 repeats are assumed to be pathogenic

This record is based on data published in PubMed 25052313, which reports only ClinVar accessions SCV000120188 and SCV000120189. The complete data set includes SCV000207445 - SCV000207579.

Literature cited by the submitters: PubMed 1346923; PubMed 1546326; PubMed 25052313.

NM_004409.5(DMPK):c.*224CTG[318]

Genes: DM1-AS (DM1 locus antisense RNA; plus strand), DMPK (DM1 protein kinase; minus strand), LOC107075317 (origin of replication in DMPK trinucleotide repeat region; plus strand), LOC109461477 (dystrophia myotonica protein kinase repeat instability region; plus strand). Cytogenetic location: 19q13.32.
Variant type: Microsatellite.
Coding change: c.*224CTG[318] on transcript NM_004409.5 (MANE Select); 318 copies in a row of the 3-base unit CTG starting at c.*224.
Molecular consequence: 3 prime UTR variant.
Genome position: GRCh38, VCF-style position (the base before the change): chr19:45,770,204. GRCh37 (hg19), VCF-style position (the base before the change): chr19:46,273,462.
Other names: DM1 CTG repeat expansion; c.*222_*224TGC[318] (NM_001081563.3); c.*224CTG[318] (NM_001288764.2, NM_001081560.3, NM_001424165.1 and 1 more transcripts); c.*217CTG[318] (NM_001081562.3, NM_001288765.2, NM_001424162.1 and 2 more transcripts); c.*369CTG[318] (NM_001288766.2, NM_001424164.1, NM_001424168.1).
Identifiers: ClinVar variation 187957 (VCV000187957.2), ClinGen allele CA915951760.